The following is an entry in ClinVar:

NM_000179.3(MSH6):c.1853A>G (p.Gln618Arg)

Gene: MSH6 (mutS homolog 6; plus strand). Cytogenetic location: 2p16.3.
Variant type: single nucleotide variant.
Coding change: c.1853A>G on transcript NM_000179.3 (MANE Select); coding-DNA position 1853, A replaced by G.
Protein change: p.Gln618Arg; replaces glutamine 618 with arginine.
Molecular consequence: missense variant. On other transcripts: non-coding transcript variant (4), intron variant (2).
Genome position (GRCh38, 1-based): chr2:47,799,836, A>G. VCF-style: chr2-47799836-A-G. GRCh37 (hg19) VCF-style: chr2-48026975-A-G.
Other names: c.1463A>G, p.Gln488Arg (NM_001281492.2); c.947A>G, p.Gln316Arg (NM_001281493.2, NM_001281494.2, NM_001406811.1 and 6 more transcripts); c.1949A>G, p.Gln650Arg (NM_001406795.1, NM_001406802.1); c.1853A>G, p.Gln618Arg (NM_001406796.1, NM_001406798.1, NM_001406800.1 and 3 more transcripts); c.1556A>G, p.Gln519Arg (NM_001406797.1, NM_001406801.1, NM_001406805.1 and 10 more transcripts); c.1328A>G, p.Gln443Arg (NM_001406799.1, NM_001406806.1, NM_001406807.1); c.1775A>G, p.Gln592Arg (NM_001406804.1); c.1859A>G, p.Gln620Arg (NM_001406813.1); and 3 more; short protein forms Q316R, Q443R, Q488R, Q519R, Q562R, Q592R, Q618R, Q620R.
Identifiers: ClinVar variation 3230516 (VCV003230516.2), dbSNP rs747576518, ClinGen allele CA068201.

ClinVar aggregate classification (germline): Conflicting classifications of pathogenicity. Review status: criteria provided, conflicting classifications (1 of 4 stars). 2 submissions from 2 submitters: Uncertain significance (1); Likely benign (1). Last evaluated 2025-04-29.

Conditions:
Hereditary nonpolyposis colorectal neoplasms. Identifiers: MedGen C0009405, MeSH D003123.
Hereditary cancer-predisposing syndrome. Also called: Neoplastic Syndromes, Hereditary; Tumor predisposition; Hereditary neoplastic syndrome; Hereditary Cancer Syndrome. Identifiers: Orphanet 140162, MedGen C0027672, MeSH D009386, MONDO:0015356.

Allele frequency attached by ClinVar (database versions not stated): ExAC 0.00002.
gnomAD v4.1: 2 of 1,614,226 alleles (0.00012%); highest among the groups gnomAD compares: Admixed American, 0.0033%; no homozygotes.

Submissions (2):

Labcorp Genetics (formerly Invitae), Labcorp
Classification: Likely benign for Hereditary nonpolyposis colorectal neoplasms. Last evaluated: 2025-04-29. Review status: criteria provided, single submitter. Criteria: Invitae Variant Classification Sherloc (09022015). Collection method: clinical testing. Allele origin: germline.

Ambry Genetics
Classification: Uncertain significance for Hereditary cancer-predisposing syndrome. Last evaluated: 2023-11-19. Review status: criteria provided, single submitter. Criteria: Ambry Variant Classification Scheme 2023. Collection method: clinical testing. Allele origin: germline.
Comment: The p.Q618R variant (also known as c.1853A>G), located in coding exon 4 of the MSH6 gene, results from an A to G substitution at nucleotide position 1853. The glutamine at codon 618 is replaced by arginine, an amino acid with highly similar properties. This amino acid position is highly conserved in available vertebrate species. In addition, the in silico prediction for this alteration is inconclusive. Since supporting evidence is limited at this time, the clinical significance of this alteration remains unclear.